The following is an entry in ClinVar:

NM_005732.4(RAD50):c.3287A>T (p.Gln1096Leu)

Gene: RAD50 (RAD50 double strand break repair protein; plus strand). Cytogenetic location: 5q31.1.
Variant type: single nucleotide variant.
Coding change: c.3287A>T on transcript NM_005732.4 (MANE Select); coding-DNA position 3287, A replaced by T.
Protein change: p.Gln1096Leu; replaces glutamine 1096 with leucine.
Molecular consequence: missense variant.
Genome position (GRCh38, 1-based): chr5:132,618,192, A>T. VCF-style: chr5-132618192-A-T. GRCh37 (hg19) VCF-style: chr5-131953884-A-T.
Other names: short protein forms Q1096L.
Identifiers: ClinVar variation 4678276 (VCV004678276.1).
Genomic context (GRCh38, chr5:132,618,192, plus strand): 5'-GGCGACAGAAAGGTTATGAAGAAGAAATTATTCATTTTAAGAAAGAACTTCGAGAACCAC[A>T]ATTTCGGGATGCTGAGGAAAAGTATAGAGAAATGATGATTGTTATGAGGACAACAGAACT-3'
Protein context (NP_005723.2, residues 1086-1106): IHFKKELREP[Gln1096Leu]FRDAEEKYRE

ClinVar aggregate classification (germline): Uncertain significance (1 of 4 stars; one submission).

Conditions:
Hereditary cancer-predisposing syndrome. Also called: Neoplastic Syndromes, Hereditary; Tumor predisposition; Hereditary Cancer Syndrome; Hereditary neoplastic syndrome. Identifiers: Orphanet 140162, MedGen C0027672, MeSH D009386, MONDO:0015356.

Submission:

Ambry Genetics
Classification: Uncertain significance for Hereditary cancer-predisposing syndrome. Last evaluated: 2025-12-11. Review status: criteria provided, single submitter. Criteria: Ambry Variant Classification Scheme 2023. Collection method: clinical testing. Allele origin: germline.
Comment: The p.Q1096L variant (also known as c.3287A>T), located in coding exon 21 of the RAD50 gene, results from an A to T substitution at nucleotide position 3287. The glutamine at codon 1096 is replaced by leucine, an amino acid with dissimilar properties. This amino acid position is conserved. In addition, the in silico prediction for this alteration is inconclusive. Based on the available evidence, the clinical significance of this variant remains unclear.